The following is an entry in ClinVar:

NM_000238.4(KCNH2):c.1328_1349dup (p.Gln450fs)

Gene: KCNH2 (potassium voltage-gated channel subfamily H member 2; minus strand). Cytogenetic location: 7q36.1.
Variant type: Duplication.
Coding change: c.1328_1349dup on transcript NM_000238.4 (MANE Select); coding-DNA positions 1328 to 1349, 22 bases duplicated (CCGAGTGTGGCTACGCCTGCCA).
Protein change: p.Gln450fs; shifts the reading frame from glutamine 450.
Molecular consequence: frameshift variant. On other transcripts: non-coding transcript variant (2).
Genome position (GRCh38, 1-based): chr7:150,952,633-150,952,654, TGGCAGGCGTAGCCACACTCGG duplicated on the plus strand (CCGAGTGTGGCTACGCCTGCCA on the coding strand, the reverse complement: KCNH2 is on the minus strand); duplicating any 22 consecutive bases within chr7:150,952,633-150,952,655 gives the same sequence; the c. name uses the placement nearest the transcript's 3' end. VCF-style (leftmost placement, unchanged base first): chr7-150952632-C-CTGGCAGGCGTAGCCACACTCGG. GRCh37 (hg19) VCF-style: chr7-150649720-C-CTGGCAGGCGTAGCCACACTCGG.
Other names: c.308_329dup, p.Gln110fs (NM_001204798.2, NM_172057.3); c.1040_1061dup, p.Gln354fs (NM_001406753.1, NM_001406756.1); c.1151_1172dup, p.Gln391fs (NM_001406755.1); c.1028_1049dup, p.Gln350fs (NM_001406757.1); c.1328_1349dup, p.Gln450fs (NM_172056.3); short protein forms Q110fs, Q354fs, Q391fs, Q450fs, Q350fs.
Identifiers: ClinVar variation 2772506 (VCV002772506.3), dbSNP rs2486048128, ClinGen allele CA2697549697.

ClinVar aggregate classification (germline): Pathogenic (1 of 4 stars; one submission).

Conditions:
Long QT syndrome (LQTS). Identifiers: MedGen C0023976, MeSH D008133, MONDO:0002442. Disease mechanism: loss of function. Inheritance: Various modes of inheritance.

Submission:

Labcorp Genetics (formerly Invitae), Labcorp
Classification: Pathogenic for Long QT syndrome. Last evaluated: 2023-10-28. Review status: criteria provided, single submitter. Criteria: Invitae Variant Classification Sherloc (09022015). Collection method: clinical testing. Allele origin: germline.
Comment: This sequence change creates a premature translational stop signal (p.Gln450Hisfs*76) in the KCNH2 gene. It is expected to result in an absent or disrupted protein product. Loss-of-function variants in KCNH2 are known to be pathogenic (PMID: 10973849, 19862833). This variant is not present in population databases (gnomAD no frequency). This variant has not been reported in the literature in individuals affected with KCNH2-related conditions. For these reasons, this variant has been classified as Pathogenic.

Literature cited by the submitters: PubMed 10973849; PubMed 19862833.